The following is an entry in ClinVar:

ClinVar aggregate classification (germline): Likely benign. Review status: criteria provided, single submitter (1 of 4 stars). 2 submissions from 2 submitters: Likely benign (1). 1 of the submissions does not count toward it. Last evaluated 2026-04-01.

Conditions:
TAF15-related disorder. Also called: TAF15-related condition.

Submissions (2):

CeGaT Center for Human Genetics Tuebingen
Classification: Likely benign. Last evaluated: 2026-04-01. Review status: criteria provided, single submitter. Criteria: CeGaT Center For Human Genetics Tuebingen Variant Classification Criteria Version 2. Collection method: clinical testing. Allele origin: germline. Affected: yes. Observed: 1 variant allele.
Comment: TAF15: PM4, BS2

PreventionGenetics, part of Exact Sciences
Classification: Likely benign for TAF15-related condition. Last evaluated: 2023-02-01. Review status: no assertion criteria provided. Collection method: clinical testing. Allele origin: germline. Not counted in ClinVar's aggregate classification.
Comment: This variant is classified as likely benign based on ACMG/AMP sequence variant interpretation guidelines (Richards et al. 2015 PMID: 25741868, with internal and published modifications).

NM_139215.3(TAF15):c.1692_1715del (p.557GYGGDRGG[1])

Gene: TAF15 (TATA-box binding protein associated factor 15; plus strand). Cytogenetic location: 17q12.
Variant type: Deletion.
Coding change: c.1692_1715del on transcript NM_139215.3 (MANE Select); coding-DNA positions 1692 to 1715, 24 bases deleted (GGGCTACGGAGGAGACCGAGGTGG).
Protein change: p.557GYGGDRGG[1].
Genome position (GRCh38, 1-based): chr17:35,844,991-35,845,014, GGGCTACGGAGGAGACCGAGGTGG deleted; deleting any 24 consecutive bases within chr17:35,844,974-35,845,014 gives the same sequence; the c. name uses the placement nearest the transcript's 3' end. VCF-style (leftmost placement, unchanged base first): chr17-35844973-TGGAGGAGACCGAGGTGGGGGCTAC-T. GRCh37 (hg19) VCF-style: chr17-34171977-TGGAGGAGACCGAGGTGGGGGCTAC-T.
Other names: c.1683_1706del, p.554GYGGDRGG[1] (NM_003487.4).
Identifiers: ClinVar variation 3048383 (VCV003048383.4), dbSNP rs537726014, ClinGen allele CA290041756.